The following is an entry in ClinVar:

NM_003632.3(CNTNAP1):c.2418C>T (p.Ser806=)

Gene: CNTNAP1 (contactin associated protein 1; plus strand). Cytogenetic location: 17q21.2.
Variant type: single nucleotide variant.
Coding change: c.2418C>T on transcript NM_003632.3 (MANE Select); coding-DNA position 2418, C replaced by T.
Protein change: p.Ser806=; no amino-acid change (serine 806 retained).
Molecular consequence: synonymous variant.
Genome position (GRCh38, 1-based): chr17:42,691,879, C>T. VCF-style: chr17-42691879-C-T. GRCh37 (hg19) VCF-style: chr17-40843897-C-T.
Identifiers: ClinVar variation 3025648 (VCV003025648.22), dbSNP rs770991102, ClinGen allele CA8582051.
Genomic context (GRCh38, chr17:42,691,879, plus strand): 5'-CACCATTTCCTTCCACACCGGGGCTGCACTACGCTTCCCCCCAATCCGTGCCAACCACAG[C>T]CTGGATGTCTCCTTCTACTTCAGGACCTCTGCTCCCTCGGGGGTCTTCCTAGAGAATATG-3'
Protein context (NP_003623.1, residues 796-816): LRFPPIRANH[Ser806=]LDVSFYFRTS

ClinVar aggregate classification (germline): Likely benign (1 of 4 stars; one submission).

Allele frequency attached by ClinVar (database versions not stated): gnomAD 0.00003; TOPMed 0.00004; ExAC 0.00007; gnomAD exomes 0.00008.
gnomAD v4.1: 118 of 1,614,068 alleles (0.0073%); highest among the groups gnomAD compares: Non-Finnish European, 0.0093%; no homozygotes.

Submission:

CeGaT Center for Human Genetics Tuebingen
Classification: Likely benign. Last evaluated: 2023-12-01. Review status: criteria provided, single submitter. Criteria: CeGaT Center For Human Genetics Tuebingen Variant Classification Criteria Version 2. Collection method: clinical testing. Allele origin: germline. Affected: yes. Observed: 1 variant allele.
Comment: CNTNAP1: BP4, BP7